The following is an entry in ClinVar:

NM_001270974.2(HYDIN):c.1449G>A (p.Ala483=)

Gene: HYDIN (HYDIN axonemal central pair apparatus protein; minus strand). Cytogenetic location: 16q22.2.
Variant type: single nucleotide variant.
Coding change: c.1449G>A on transcript NM_001270974.2 (MANE Select); coding-DNA position 1449, G replaced by A.
Protein change: p.Ala483=; no amino-acid change (alanine 483 retained).
Molecular consequence: synonymous variant.
Genome position (GRCh38, 1-based): chr16:71,088,522, C>T on the plus strand (G>A on the coding strand, the complement: HYDIN is on the minus strand). VCF-style: chr16-71088522-C-T. GRCh37 (hg19) VCF-style: chr16-71122425-C-T.
Other names: c.1530G>A, p.Ala510= (NM_001198542.1); c.1500G>A, p.Ala500= (NM_001198543.1); c.1449G>A, p.Ala483= (NM_017558.5).
Identifiers: ClinVar variation 2672651 (VCV002672651.23), dbSNP rs1224728357, ClinGen allele CA496251067.

ClinVar aggregate classification (germline): Likely benign (1 of 4 stars; one submission).

Allele frequency attached by ClinVar (database versions not stated): gnomAD 0.00003; TOPMed 0.00003.

Submission:

CeGaT Center for Human Genetics Tuebingen
Classification: Likely benign. Last evaluated: 2023-11-01. Review status: criteria provided, single submitter. Criteria: CeGaT Center For Human Genetics Tuebingen Variant Classification Criteria Version 2. Collection method: clinical testing. Allele origin: germline. Affected: yes. Observed: 1 variant allele.
Comment: HYDIN: BP4, BP7